The following is an entry in ClinVar:

ClinVar aggregate classification (germline): Uncertain significance (1 of 4 stars; one submission).

gnomAD v4.1: 1 of 1,613,952 alleles (0.000062%); no homozygotes.

Submission:

Dasa
Classification: Uncertain significance. Last evaluated: 2024-12-16. Review status: criteria provided, single submitter. Criteria: DASA Assertion Criteria. Collection method: clinical testing. Allele origin: germline.
Comment: NM_001128840.3(CACNA1D):c.6131C>T (p.Pro2044Leu) is a missense variant that results in the substitution of proline with leucine. This variant is rare in population databases. The currently available literature and clinical evidence are not sufficient to establish a definitive association between this variant and the reported condition. Therefore, this variant is classified as a variant of uncertain significance.

NM_001128840.3(CACNA1D):c.6131C>T (p.Pro2044Leu)

Gene: CACNA1D (calcium voltage-gated channel subunit alpha1 D; plus strand). Cytogenetic location: 3p21.1.
Variant type: single nucleotide variant.
Coding change: c.6131C>T on transcript NM_001128840.3 (MANE Select); coding-DNA position 6131, C replaced by T.
Protein change: p.Pro2044Leu; replaces proline 2044 with leucine.
Molecular consequence: missense variant.
Genome position (GRCh38, 1-based): chr3:53,810,237, C>T. VCF-style: chr3-53810237-C-T. GRCh37 (hg19) VCF-style: chr3-53844264-C-T.
Other names: c.6191C>T, p.Pro2064Leu (NM_000720.4); c.6059C>T, p.Pro2020Leu (NM_001128839.3); short protein forms P2020L, P2044L, P2064L.
Identifiers: ClinVar variation 4885430 (VCV004885430.2).